The following is an entry in ClinVar:

NM_000484.4(APP):c.42G>C (p.Thr14=)

Gene: APP (amyloid beta precursor protein; minus strand). Cytogenetic location: 21q21.3.
Variant type: single nucleotide variant.
Coding change: c.42G>C on transcript NM_000484.4 (MANE Select); coding-DNA position 42, G replaced by C.
Protein change: p.Thr14=; no amino-acid change (threonine 14 retained).
Molecular consequence: synonymous variant. On other transcripts: intron variant (1).
Genome position (GRCh38, 1-based): chr21:26,170,579, C>G on the plus strand (G>C on the coding strand, the complement: APP is on the minus strand). VCF-style: chr21-26170579-C-G. GRCh37 (hg19) VCF-style: chr21-27542897-C-G.
Other names: c.42G>C (NM_000484.3); c.42G>C, p.Thr14= (NM_001136129.3, NM_001136130.3, NM_001204301.2 and 5 more transcripts); c.-49+406G>C (NM_001136131.3).
Identifiers: ClinVar variation 3385223 (VCV003385223.2).

ClinVar aggregate classification (germline): Benign/Likely benign. Review status: criteria provided, multiple submitters, no conflicts (2 of 4 stars). 2 submissions from 2 submitters: Benign (1); Likely benign (1). Last evaluated 2025-08-13.

gnomAD v4.1: 167 of 1,538,798 alleles (0.011%); highest among the groups gnomAD compares: East Asian, 0.059%; no homozygotes.

Submissions (2):

Athena Diagnostics
Classification: Benign. Last evaluated: 2025-08-13. Review status: criteria provided, single submitter. Criteria: Athena Diagnostics Criteria. Collection method: clinical testing. Allele origin: unknown.
Comment: The frequency of this variant in the general population is higher than would generally be expected for pathogenic variants in this gene. Computational tools yielded predictions that this variant is unlikely to have an effect on normal RNA splicing. This nucleotide position exhibits low evolutionary conservation.

Women's Health and Genetics/Laboratory Corporation of America, LabCorp
Classification: Likely benign. Last evaluated: 2024-10-17. Review status: criteria provided, single submitter. Criteria: LabCorp Variant Classification Summary - May 2015. Collection method: clinical testing. Allele origin: germline.